The following is an entry in ClinVar:

NM_001377.3(DYNC2H1):c.7735C>T (p.Arg2579Trp)

Gene: DYNC2H1 (dynein cytoplasmic 2 heavy chain 1; plus strand). Cytogenetic location: 11q22.3.
Variant type: single nucleotide variant.
Coding change: c.7735C>T on transcript NM_001377.3 (MANE Select); coding-DNA position 7735, C replaced by T.
Protein change: p.Arg2579Trp; replaces arginine 2579 with tryptophan.
Molecular consequence: missense variant.
Genome position (GRCh38, 1-based): chr11:103,197,959, C>T. VCF-style: chr11-103197959-C-T. GRCh37 (hg19) VCF-style: chr11-103068688-C-T.
Other names: c.7735C>T, p.Arg2579Trp (NM_001080463.2); short protein forms R2579W.
Identifiers: ClinVar variation 1401208 (VCV001401208.3), dbSNP rs775362763, ClinGen allele CA6254322.

ClinVar aggregate classification (germline): Uncertain significance (1 of 4 stars; one submission).

Conditions:
Jeune thoracic dystrophy. Also called: Jeune syndrome; Infantile thoracic dystrophy; Thoracic pelvic phalangeal dystrophy; Jeune's syndrome; Chondroectodermal dysplasia-like syndrome; Short-rib thoracic dysplasia. Identifiers: Orphanet 474, MedGen C0265275, MONDO:0018770.

Allele frequency attached by ClinVar (database versions not stated): gnomAD 0.00003; TOPMed 0.00004; gnomAD exomes 0.00006; ExAC 0.00017.
gnomAD v4.1: 79 of 1,569,712 alleles (0.005%); highest among the groups gnomAD compares: South Asian, 0.021%; no homozygotes.

Submission:

Labcorp Genetics (formerly Invitae), Labcorp
Classification: Uncertain significance for Jeune thoracic dystrophy. Last evaluated: 2021-12-10. Review status: criteria provided, single submitter. Criteria: Invitae Variant Classification Sherloc (09022015). Collection method: clinical testing. Allele origin: germline.
Comment: This sequence change replaces arginine, which is basic and polar, with tryptophan, which is neutral and slightly polar, at codon 2579 of the DYNC2H1 protein (p.Arg2579Trp). This variant is present in population databases (rs775362763, gnomAD 0.02%). This variant has not been reported in the literature in individuals affected with DYNC2H1-related conditions. Advanced modeling of protein sequence and biophysical properties (such as structural, functional, and spatial information, amino acid conservation, physicochemical variation, residue mobility, and thermodynamic stability) performed at Invitae indicates that this missense variant is not expected to disrupt DYNC2H1 protein function. In summary, the available evidence is currently insufficient to determine the role of this variant in disease. Therefore, it has been classified as a Variant of Uncertain Significance.